The following is an entry in ClinVar:

NM_024426.6(WT1):c.100G>C (p.Glu34Gln)

Genes: WT1 (WT1 transcription factor; minus strand), LOC107982234 (WT1/WT1-AS bi-directional promoter region; plus strand). Cytogenetic location: 11p13.
Variant type: single nucleotide variant.
Coding change: c.100G>C on transcript NM_024426.6 (MANE Select); coding-DNA position 100, G replaced by C.
Protein change: p.Glu34Gln; replaces glutamic acid 34 with glutamine.
Molecular consequence: missense variant. On other transcripts: 5 prime UTR variant (4), non-coding transcript variant (2).
Genome position (GRCh38, 1-based): chr11:32,435,261, C>G on the plus strand (G>C on the coding strand, the complement: WT1 is on the minus strand). VCF-style: chr11-32435261-C-G. GRCh37 (hg19) VCF-style: chr11-32456807-C-G.
Other names: c.100G>C, p.Glu34Gln (NM_000378.6, NM_001407044.1, NM_001407045.1 and 6 more transcripts); c.-120G>C (NM_001429031.1, NM_001429032.1, NM_001429033.1 and 1 more transcripts); short protein forms E29Q, E34Q.
Identifiers: ClinVar variation 3751740 (VCV003751740.2).

ClinVar aggregate classification (germline): Uncertain significance (1 of 4 stars; one submission).

Conditions:
Wilms tumor 1 (WT1). Also called: Wilms tumor, somatic. Identifiers: Orphanet 654, MedGen CN033288, MONDO:0008679, OMIM 194070.
11p partial monosomy syndrome (WAGR). Also called: WAGR syndrome; WAGR Complex; CHROMOSOME 11p13 DELETION SYNDROME; WAGR Spectrum Disorder. Identifiers: Orphanet 893, MedGen C0206115, MONDO:0008681, OMIM 194072.
Frasier syndrome. Identifiers: Orphanet 347, MedGen C0950122, MeSH D052159, MONDO:0007635, OMIM 136680.
Drash syndrome (DDS). Also called: NEPHROPATHY, WILMS TUMOR, AND GENITAL ANOMALIES; WILMS TUMOR AND PSEUDO- OR TRUE HERMAPHRODITISM. Identifiers: Orphanet 220, MedGen C0950121, MONDO:0008682, OMIM 194080.

Submission:

Labcorp Genetics (formerly Invitae), Labcorp
Classification: Uncertain significance for Wilms tumor 1; Drash syndrome; 11p partial monosomy syndrome; Frasier syndrome. Last evaluated: 2024-03-28. Review status: criteria provided, single submitter. Criteria: Invitae Variant Classification Sherloc (09022015). Collection method: clinical testing. Allele origin: germline.
Comment: This sequence change replaces glutamic acid, which is acidic and polar, with glutamine, which is neutral and polar, at codon 29 of the WT1 protein (p.Glu29Gln). This variant is not present in population databases (gnomAD no frequency). This variant has not been reported in the literature in individuals affected with WT1-related conditions. An algorithm developed to predict the effect of missense changes on protein structure and function (PolyPhen-2) suggests that this variant is likely to be tolerated. In summary, the available evidence is currently insufficient to determine the role of this variant in disease. Therefore, it has been classified as a Variant of Uncertain Significance.